The following is an entry in ClinVar:

NM_006231.4(POLE):c.5061C>G (p.Ser1687=)

Gene: POLE (DNA polymerase epsilon, catalytic subunit; minus strand). Cytogenetic location: 12q24.33.
Variant type: single nucleotide variant.
Coding change: c.5061C>G on transcript NM_006231.4 (MANE Select); coding-DNA position 5061, C replaced by G.
Protein change: p.Ser1687=; no amino-acid change (serine 1687 retained).
Molecular consequence: synonymous variant.
Genome position (GRCh38, 1-based): chr12:132,642,289, G>C on the plus strand (C>G on the coding strand, the complement: POLE is on the minus strand). VCF-style: chr12-132642289-G-C. GRCh37 (hg19) VCF-style: chr12-133218875-G-C.
Identifiers: ClinVar variation 2107430 (VCV002107430.4), dbSNP rs2138530476, ClinGen allele CA482848684.

ClinVar aggregate classification (germline): Uncertain significance (1 of 4 stars; one submission).

Allele frequency attached by ClinVar (database versions not stated): gnomAD exomes below 0.00001.
gnomAD v4.1: 1 of 1,607,630 alleles (0.000062%); highest among the groups gnomAD compares: Non-Finnish European, 0.000085%; no homozygotes.

Submission:

Labcorp Genetics (formerly Invitae), Labcorp
Classification: Uncertain significance. Last evaluated: 2022-03-06. Review status: criteria provided, single submitter. Criteria: Invitae Variant Classification Sherloc (09022015). Collection method: clinical testing. Allele origin: germline.
Comment: This sequence change affects codon 1687 of the POLE mRNA. It is a 'silent' change, meaning that it does not change the encoded amino acid sequence of the POLE protein. This variant is not present in population databases (gnomAD no frequency). This variant has not been reported in the literature in individuals affected with POLE-related conditions. Algorithms developed to predict the effect of sequence changes on RNA splicing suggest that this variant may disrupt the consensus splice site. In summary, the available evidence is currently insufficient to determine the role of this variant in disease. Therefore, it has been classified as a Variant of Uncertain Significance.